The following is an entry in ClinVar:

ClinVar aggregate classification (germline): Likely benign (0 of 4 stars; one submission).

Conditions:
SLC17A9-related disorder. Also called: SLC17A9-related condition.

Allele frequency attached by ClinVar (database versions not stated): ExAC 0.00008; gnomAD 0.00011; TOPMed 0.00012.
gnomAD v4.1: 264 of 1,613,864 alleles (0.016%); highest among the groups gnomAD compares: African/African-American, 0.024%; 1 homozygote.

Submission:

PreventionGenetics, part of Exact Sciences
Classification: Likely benign for SLC17A9-related condition. Last evaluated: 2020-04-03. Review status: no assertion criteria provided. Collection method: clinical testing. Allele origin: germline.
Comment: This variant is classified as likely benign based on ACMG/AMP sequence variant interpretation guidelines (Richards et al. 2015 PMID: 25741868, with internal and published modifications).

NM_022082.4(SLC17A9):c.516G>A (p.Ala172=)

Gene: SLC17A9 (solute carrier family 17 member 9; plus strand). Cytogenetic location: 20q13.33.
Variant type: single nucleotide variant.
Coding change: c.516G>A on transcript NM_022082.4 (MANE Select); coding-DNA position 516, G replaced by A.
Protein change: p.Ala172=; no amino-acid change (alanine 172 retained).
Molecular consequence: synonymous variant.
Genome position (GRCh38, 1-based): chr20:62,962,642, G>A. VCF-style: chr20-62962642-G-A. GRCh37 (hg19) VCF-style: chr20-61593994-G-A.
Other names: c.498G>A, p.Ala166= (NM_001302643.2).
Identifiers: ClinVar variation 3054589 (VCV003054589.2), dbSNP rs371362253, ClinGen allele CA9952936.
Genomic context (GRCh38, chr20:62,962,642, plus strand): 5'-GTGCCGCTGAGGGGCCTGGCCACACTCCCCCTGTCTTTGCAGGACGCTGCTGACCGGGGC[G>A]GTGGGCTCCCTGCTCCTGGAATGGTACGGCTGGCAGAGCATCTTCTATTTCTCCGGCGGC-3'
Protein context (NP_071365.4, residues 162-182): GSQFGTLLTG[Ala172=]VGSLLLEWYG